The following is an entry in ClinVar:

ClinVar aggregate classification (germline): Likely benign (1 of 4 stars; one submission).

Allele frequency attached by ClinVar (database versions not stated): gnomAD exomes 0.00090; 1000 Genomes Project 30x 0.00031; 1000 Genomes Project 0.00040; gnomAD 0.00041; TOPMed 0.00046; ExAC 0.00059; ESP Exome Variant Server 0.00069.
gnomAD v4.1: 1,374 of 1,614,122 alleles (0.085%); highest among the groups gnomAD compares: Non-Finnish European, 0.1%; no homozygotes.

Submission:

CeGaT Center for Human Genetics Tuebingen
Classification: Likely benign. Last evaluated: 2026-09-01. Review status: criteria provided, single submitter. Criteria: CeGaT Center For Human Genetics Tuebingen Variant Classification Criteria Version 2. Collection method: clinical testing. Allele origin: germline. Affected: yes. Observed: 6 variant alleles.
Comment: CUX1: BP4, BP7, BS1

NM_181552.4(CUX1):c.3294C>T (p.Ser1098=)

Gene: CUX1 (cut like homeobox 1; plus strand). Cytogenetic location: 7q22.1.
Variant type: single nucleotide variant.
Coding change: c.3294C>T on transcript NM_181552.4 (MANE Select); coding-DNA position 3294, C replaced by T.
Protein change: p.Ser1098=; no amino-acid change (serine 1098 retained).
Molecular consequence: synonymous variant. On other transcripts: intron variant (5).
Genome position (GRCh38, 1-based): chr7:102,227,530, C>T. VCF-style: chr7-102227530-C-T. GRCh37 (hg19) VCF-style: chr7-101870810-C-T.
Other names: c.3327C>T, p.Ser1109= (NM_001202543.2); c.1255+31927C>T (NM_001913.5); c.1249+31927C>T (NM_181500.4); c.1117+31927C>T (NM_001202545.3); c.1207+31927C>T (NM_001202544.3); c.1138+31927C>T (NM_001202546.3).
Identifiers: ClinVar variation 2657871 (VCV002657871.24), dbSNP rs151241171, ClinGen allele CA4411298.